The following is an entry in ClinVar:

ClinVar aggregate classification (germline): Uncertain significance. Review status: criteria provided, multiple submitters, no conflicts (2 of 4 stars). 2 submissions from 2 submitters: Uncertain significance (2). Last evaluated 2026-01-20.

Conditions:
Hereditary cancer-predisposing syndrome. Also called: Tumor predisposition; Hereditary neoplastic syndrome; Neoplastic Syndromes, Hereditary; Hereditary Cancer Syndrome. Identifiers: Orphanet 140162, MedGen C0027672, MeSH D009386, MONDO:0015356.
Tuberous sclerosis 2 (TSC2). Identifiers: Orphanet 805, MedGen C1860707, MONDO:0013199, OMIM 613254.

Submissions (2):

Labcorp Genetics (formerly Invitae), Labcorp
Classification: Uncertain significance for Tuberous sclerosis 2. Last evaluated: 2026-01-20. Review status: criteria provided, single submitter. Criteria: Invitae Variant Classification Sherloc (09022015). Collection method: clinical testing. Allele origin: germline.
Comment: This sequence change replaces phenylalanine, which is neutral and non-polar, with tyrosine, which is neutral and polar, at codon 897 of the TSC2 protein (p.Phe897Tyr). This variant is not present in population databases (gnomAD no frequency). This variant has not been reported in the literature in individuals affected with TSC2-related conditions. ClinVar contains an entry for this variant (Variation ID: 1497306). Invitae Evidence Modeling of protein sequence and biophysical properties (such as structural, functional, and spatial information, amino acid conservation, physicochemical variation, residue mobility, and thermodynamic stability) indicates that this missense variant is not expected to disrupt TSC2 protein function with a negative predictive value of 95%. This variant disrupts the p.Phe897 amino acid residue in TSC2. Other variant(s) that disrupt this residue have been determined to be pathogenic (PMID: 16114042, 21309039). This suggests that this residue is clinically significant, and that variants that disrupt this residue are likely to be disease-causing. In summary, the available evidence is currently insufficient to determine the role of this variant in disease. Therefore, it has been classified as a Variant of Uncertain Significance.

Ambry Genetics
Classification: Uncertain significance for Hereditary cancer-predisposing syndrome. Last evaluated: 2023-05-17. Review status: criteria provided, single submitter. Criteria: Ambry Variant Classification Scheme 2023. Collection method: clinical testing. Allele origin: germline.
Comment: The p.F897Y variant (also known as c.2690T>A), located in coding exon 23 of the TSC2 gene, results from a T to A substitution at nucleotide position 2690. The phenylalanine at codon 897 is replaced by tyrosine, an amino acid with highly similar properties. This amino acid position is highly conserved in available vertebrate species. In addition, this alteration is predicted to be deleterious by in silico analysis. Since supporting evidence is limited at this time, the clinical significance of this alteration remains unclear.

Literature cited by the submitters: PubMed 16114042 (cited by Labcorp Genetics (formerly Invitae), Labcorp); PubMed 21309039 (cited by Labcorp Genetics (formerly Invitae), Labcorp).

NM_000548.5(TSC2):c.2690T>A (p.Phe897Tyr)

Gene: TSC2 (TSC complex subunit 2; plus strand). Cytogenetic location: 16p13.3.
Variant type: single nucleotide variant.
Coding change: c.2690T>A on transcript NM_000548.5 (MANE Select); coding-DNA position 2690, T replaced by A.
Protein change: p.Phe897Tyr; replaces phenylalanine 897 with tyrosine.
Molecular consequence: missense variant.
Genome position (GRCh38, 1-based): chr16:2,076,118, T>A. VCF-style: chr16-2076118-T-A. GRCh37 (hg19) VCF-style: chr16-2126119-T-A.
Other names: c.2690T>A, p.Phe897Tyr (NM_001077183.3, NM_001114382.3, NM_001363528.2 and 3 more transcripts); c.2579T>A, p.Phe860Tyr (NM_001318827.2); c.2543T>A, p.Phe848Tyr (NM_001318829.2); c.2090T>A, p.Phe697Tyr (NM_001318831.2); c.2723T>A, p.Phe908Tyr (NM_001318832.2); c.2690T>A (NM_000548.3); short protein forms F908Y, F697Y, F860Y, F897Y, F848Y.
Identifiers: ClinVar variation 1497306 (VCV001497306.9), dbSNP rs45517255, ClinGen allele CA394279385.
Genomic context (GRCh38, chr16:2,076,118, plus strand): 5'-CTCATCTCAGGTTTAATCAGTACATCGTGTGTCTGGCCCATCACGTCATAGCCATGTGGT[T>A]CATCAGGTGCCGCCTGCCCTTCCGGAAGGATTTTGTCCCTTTCATCACTAAGGTGGGCTC-3'
Protein context (NP_000539.2, residues 887-907): CLAHHVIAMW[Phe897Tyr]IRCRLPFRKD